The following is an entry in ClinVar:

NM_000218.3(KCNQ1):c.386+16231G>A

Gene: KCNQ1 (potassium voltage-gated channel subfamily Q member 1; plus strand). Cytogenetic location: 11p15.5.
Variant type: single nucleotide variant.
Coding change: c.386+16231G>A on transcript NM_000218.3 (MANE Select); 16231 bases into the intron after coding-DNA position 386, G replaced by A.
Molecular consequence: intron variant. On other transcripts: splice donor variant (1).
Genome position (GRCh38, 1-based): chr11:2,461,715, G>A. VCF-style: chr11-2461715-G-A. GRCh37 (hg19) VCF-style: chr11-2482945-G-A.
Other names: c.24+16231G>A (NM_001406837.1); c.386+16231G>A (NM_001406836.1, NM_001406838.1); c.5+1G>A (NM_181798.2).
Identifiers: ClinVar variation 1027906 (VCV001027906.5), dbSNP rs1490391959, ClinGen allele CA379119443.

ClinVar aggregate classification (germline): Conflicting classifications of pathogenicity. Review status: criteria provided, conflicting classifications (1 of 4 stars). 3 submissions from 3 submitters: Likely pathogenic (1); Uncertain significance (2). Last evaluated 2024-03-26.

Conditions:
Long QT syndrome 1 (LQT1). Identifiers: Orphanet 101016, Orphanet 768, MedGen C4551647, MONDO:0100316, OMIM 192500, MONDO:0008646.

Allele frequency attached by ClinVar (database versions not stated): gnomAD exomes below 0.00001; TOPMed below 0.00001; gnomAD 0.00001.
gnomAD v4.1: 2 of 1,366,948 alleles (0.00015%); highest among the groups gnomAD compares: Middle Eastern, 0.021%; no homozygotes.

Submissions (3):

Genomic Medicine Center of Excellence, King Faisal Specialist Hospital and Research Centre
Classification: Uncertain significance for Long QT syndrome 1. Last evaluated: 2024-03-26. Review status: criteria provided, single submitter. Criteria: ACMG Guidelines, 2015. Collection method: clinical testing. Allele origin: germline.

Baylor Genetics
Classification: Likely pathogenic for Long QT syndrome 1. Last evaluated: 2019-11-07. Review status: criteria provided, single submitter. Criteria: ACMG Guidelines, 2015. Collection method: clinical testing. Allele origin: unknown. Affected: yes.
Comment: This variant was determined to be likely pathogenic according to ACMG Guidelines, 2015 [PMID:25741868].

Blueprint Genetics
Classification: Uncertain significance. Last evaluated: 2018-10-01. Review status: criteria provided, single submitter. Criteria: ACMG Guidelines, 2015. Collection method: clinical testing. Allele origin: germline.